The following is an entry in ClinVar:

ClinVar aggregate classification (germline): Uncertain significance. Review status: criteria provided, multiple submitters, no conflicts (2 of 4 stars). 3 submissions from 3 submitters: Uncertain significance (2). 1 of the submissions does not count toward it. Last evaluated 2024-10-29.

Conditions:
Deficiency of alpha-mannosidase (MANSA). Also called: LYSOSOMAL ALPHA-D-MANNOSIDASE DEFICIENCY; Alpha-Mannosidosis; Mannosidosis, alpha-, types I and II. Identifiers: Orphanet 61, MedGen C0024748, MONDO:0009561, OMIM 248500.

Allele frequency attached by ClinVar (database versions not stated): ESP Exome Variant Server 0.00008; gnomAD 0.00004 and 0.00003; gnomAD exomes 0.00005 and 0.00007; ExAC 0.00006; TOPMed 0.00005.
gnomAD v4.1: 111 of 1,611,848 alleles (0.0069%); highest among the groups gnomAD compares: Non-Finnish European, 0.0083%; no homozygotes.

Submissions (3):

GeneDx
Classification: Uncertain significance. Last evaluated: 2024-10-29. Review status: criteria provided, single submitter. Criteria: GeneDx Variant Classification Process June 2021. Collection method: clinical testing. Allele origin: germline.
Comment: Not observed at significant frequency in large population cohorts (gnomAD); In silico analysis supports that this missense variant has a deleterious effect on protein structure/function; Has not been previously published as pathogenic or benign to our knowledge

Labcorp Genetics (formerly Invitae), Labcorp
Classification: Uncertain significance for Deficiency of alpha-mannosidase. Last evaluated: 2023-12-02. Review status: criteria provided, single submitter. Criteria: Invitae Variant Classification Sherloc (09022015). Collection method: clinical testing. Allele origin: germline.
Comment: This sequence change replaces leucine, which is neutral and non-polar, with phenylalanine, which is neutral and non-polar, at codon 811 of the MAN2B1 protein (p.Leu811Phe). This variant is present in population databases (rs367852398, gnomAD 0.008%). This variant has not been reported in the literature in individuals affected with MAN2B1-related conditions. ClinVar contains an entry for this variant (Variation ID: 968446). Advanced modeling of protein sequence and biophysical properties (such as structural, functional, and spatial information, amino acid conservation, physicochemical variation, residue mobility, and thermodynamic stability) has been performed at Invitae for this missense variant, however the output from this modeling did not meet the statistical confidence thresholds required to predict the impact of this variant on MAN2B1 protein function. In summary, the available evidence is currently insufficient to determine the role of this variant in disease. Therefore, it has been classified as a Variant of Uncertain Significance.

Natera, Inc.
Classification: Uncertain significance for Alpha-mannosidosis. Last evaluated: 2020-06-06. Review status: no assertion criteria provided. Collection method: clinical testing. Allele origin: germline. Not counted in ClinVar's aggregate classification.

NM_000528.4(MAN2B1):c.2431C>T (p.Leu811Phe)

Gene: MAN2B1 (mannosidase alpha class 2B member 1; minus strand). Cytogenetic location: 19p13.13.
Variant type: single nucleotide variant.
Coding change: c.2431C>T on transcript NM_000528.4 (MANE Select); coding-DNA position 2431, C replaced by T.
Protein change: p.Leu811Phe; replaces leucine 811 with phenylalanine.
Molecular consequence: missense variant.
Genome position (GRCh38, 1-based): chr19:12,649,141, G>A on the plus strand (C>T on the coding strand, the complement: MAN2B1 is on the minus strand). VCF-style: chr19-12649141-G-A. GRCh37 (hg19) VCF-style: chr19-12759955-G-A.
Other names: c.2428C>T, p.Leu810Phe (NM_001173498.2); short protein forms L810F, L811F.
Identifiers: ClinVar variation 968446 (VCV000968446.10), dbSNP rs367852398, ClinGen allele CA9226039.